The following is an entry in ClinVar:

NM_001378454.1(ALMS1):c.12078A>G (p.Arg4026=)

Genes: ALMS1 (ALMS1 centrosome and basal body associated protein; plus strand), LOC126806252 (BRD4-independent group 4 enhancer GRCh37_chr2:73828496-73829695; plus strand). Cytogenetic location: 2p13.1.
Variant type: single nucleotide variant.
Coding change: c.12078A>G on transcript NM_001378454.1 (MANE Select); coding-DNA position 12078, A replaced by G.
Protein change: p.Arg4026=; no amino-acid change (arginine 4026 retained).
Molecular consequence: synonymous variant.
Genome position (GRCh38, 1-based): chr2:73,601,400, A>G. VCF-style: chr2-73601400-A-G. GRCh37 (hg19) VCF-style: chr2-73828527-A-G.
Other names: c.12081A>G, p.Arg4027= (NM_015120.4).
Identifiers: ClinVar variation 5001941 (VCV005001941.1).
Genomic context (GRCh38, chr2:73,601,400, plus strand): 5'-TCAGGGGCAGCACCTGGACGGTCGGGGCTACCTGGCAGGCCCAGGCAGAGAGGCTGGCAG[A>G]GACCTACTGAGGCCATTTGTGAGAGCAACCCTTCAGGTGCAGTGACGTTGACTTAACTTT-3'
Protein context (NP_001365383.1, residues 4016-4036): YLAGPGREAG[Arg4026=]DLLRPFVRAT

ClinVar aggregate classification (germline): Likely benign (1 of 4 stars; one submission).

Conditions:
ALMS1-related disorder. Also called: ALMS1-related condition.

Submission:

PreventionGenetics, part of Exact Sciences
Classification: Likely benign for ALMS1-related condition. Last evaluated: 2025-07-03. Review status: criteria provided, single submitter. Criteria: ACMG Guidelines, 2015. Collection method: clinical testing. Allele origin: germline.
Comment: This variant is classified as likely benign based on ACMG/AMP sequence variant interpretation guidelines (Richards et al. 2015 PMID: 25741868, with internal and published modifications).